The following is an entry in ClinVar:

NM_004304.5(ALK):c.1817+5G>C

Gene: ALK (ALK receptor tyrosine kinase; minus strand). Cytogenetic location: 2p23.2.
Variant type: single nucleotide variant.
Coding change: c.1817+5G>C on transcript NM_004304.5 (MANE Select); 5 bases into the intron after coding-DNA position 1817, G replaced by C.
Molecular consequence: intron variant.
Genome position (GRCh38, 1-based): chr2:29,296,883, C>G on the plus strand (G>C on the coding strand, the complement: ALK is on the minus strand). VCF-style: chr2-29296883-C-G. GRCh37 (hg19) VCF-style: chr2-29519749-C-G.
Identifiers: ClinVar variation 2006876 (VCV002006876.4), dbSNP rs2148230979, ClinGen allele CA2580066294.

ClinVar aggregate classification (germline): Uncertain significance (1 of 4 stars; one submission).

Conditions:
Neuroblastoma, susceptibility to, 3. Also called: ALK-Related Neuroblastic Tumor Susceptibility. Identifiers: Orphanet 635, MedGen C2751681, MONDO:0013083, OMIM 613014.

Submission:

Labcorp Genetics (formerly Invitae), Labcorp
Classification: Uncertain significance for Neuroblastoma, susceptibility to, 3. Last evaluated: 2022-06-15. Review status: criteria provided, single submitter. Criteria: Invitae Variant Classification Sherloc (09022015). Collection method: clinical testing. Allele origin: germline.
Comment: This sequence change falls in intron 9 of the ALK gene. It does not directly change the encoded amino acid sequence of the ALK protein. It affects a nucleotide within the consensus splice site. This variant is not present in population databases (gnomAD no frequency). This variant has not been reported in the literature in individuals affected with ALK-related conditions. Variants that disrupt the consensus splice site are a relatively common cause of aberrant splicing (PMID: 17576681, 9536098). Algorithms developed to predict the effect of sequence changes on RNA splicing suggest that this variant may disrupt the consensus splice site. In summary, the available evidence is currently insufficient to determine the role of this variant in disease. Therefore, it has been classified as a Variant of Uncertain Significance.

Literature cited by the submitters: PubMed 17576681; PubMed 9536098.